The following is an entry in ClinVar:

NM_000875.5(IGF1R):c.*6568A>C

Gene: IGF1R (insulin like growth factor 1 receptor; plus strand). Cytogenetic location: 15q26.3.
Variant type: single nucleotide variant.
Coding change: c.*6568A>C on transcript NM_000875.5 (MANE Select); 6568 bases downstream of the stop codon, A replaced by C.
Molecular consequence: 3 prime UTR variant.
Genome position (GRCh38, 1-based): chr15:98,964,010, A>C. VCF-style: chr15-98964010-A-C. GRCh37 (hg19) VCF-style: chr15-99507239-A-C.
Other names: c.*6568A>C (NM_001291858.2).
Identifiers: ClinVar variation 317642 (VCV000317642.5), dbSNP rs144178122, ClinGen allele CA10642806.

ClinVar aggregate classification (germline): Benign (1 of 4 stars; one submission).

Conditions:
Growth delay due to insulin-like growth factor I resistance. Also called: Somatomedin end-organ insensitivity to; Somatomedin-c resistance to; IGF-1 resistance; IGF-I RESISTANCE; Insulin-Like Growth Factor I Resistance. Identifiers: Orphanet 73273, MedGen C1849157, MONDO:0010038, OMIM 270450.

Allele frequency attached by ClinVar (database versions not stated): gnomAD 0.00813 and 0.00879; 1000 Genomes Project 0.00839; TOPMed 0.00917; 1000 Genomes Project 30x 0.00921.
gnomAD v4.1: 1,381 of 233,186 alleles (0.59%); highest among the groups gnomAD compares: African/African-American, 2.8%; 18 homozygotes.

Submission:

Illumina Laboratory Services, Illumina
Classification: Benign for Growth delay due to insulin-like growth factor I resistance. Last evaluated: 2018-01-12. Review status: criteria provided, single submitter. Criteria: ICSL Variant Classification Criteria 13 December 2019. Collection method: clinical testing. Allele origin: germline.
Comment: This variant was observed in the ICSL laboratory as part of a predisposition screen in an ostensibly healthy population. It had not been previously curated by ICSL or reported in the Human Gene Mutation Database (HGMD: prior to June 1st, 2018), and was therefore a candidate for classification through an automated scoring system. Utilizing variant allele frequency, disease prevalence and penetrance estimates, and inheritance mode, an automated score was calculated to assess if this variant is too frequent to cause the disease. Based on the score and internal cut-off values, a variant classified as benign is not then subjected to further curation. The score for this variant resulted in a classification of benign for this disease.